The following is an entry in ClinVar:

NM_130837.3(OPA1):c.2331+4T>C

Gene: OPA1 (OPA1 mitochondrial dynamin like GTPase; plus strand). Cytogenetic location: 3q29.
Variant type: single nucleotide variant.
Coding change: c.2331+4T>C on transcript NM_130837.3 (MANE Select); 4 bases into the intron after coding-DNA position 2331, T replaced by C.
Molecular consequence: intron variant.
Genome position (GRCh38, 1-based): chr3:193,657,236, T>C. VCF-style: chr3-193657236-T-C. GRCh37 (hg19) VCF-style: chr3-193375025-T-C.
Other names: c.1794+4T>C (NM_001354664.2); c.1797+4T>C (NM_001354663.2); c.2220+4T>C (NM_130834.3); c.2277+4T>C (NM_130836.3); c.2166+4T>C (NM_015560.3); c.2223+4T>C (NM_130835.3); c.2112+4T>C (NM_130832.3); c.2169+4T>C (NM_130833.3); and 1 more.
Identifiers: ClinVar variation 3617369 (VCV003617369.3).
Genomic context (GRCh38, chr3:193,657,236, plus strand): 5'-GTTAAGGAAGAAAGTATTAAACGACACAAGTGGAATGACTTTGCGGAGGACAGCTTGGTA[T>C]GTTGTTTGTATACTGGGGTATCAGCCTCATATTTTTATATAACTTCTCAAATTGATACTT-3'

ClinVar aggregate classification (germline): Conflicting classifications of pathogenicity. Review status: criteria provided, conflicting classifications (1 of 4 stars). 2 submissions from 2 submitters: Uncertain significance (1); Likely benign (1). Last evaluated 2025-09-13.

gnomAD v4.1: 5 of 1,613,662 alleles (0.00031%); highest among the groups gnomAD compares: Admixed American, 0.0017%; no homozygotes.

Submissions (2):

Labcorp Genetics (formerly Invitae), Labcorp
Classification: Uncertain significance. Last evaluated: 2025-09-13. Review status: criteria provided, single submitter. Criteria: Invitae Variant Classification Sherloc (09022015). Collection method: clinical testing. Allele origin: germline.
Comment: This sequence change falls in intron 21 of the OPA1 gene. It does not directly change the encoded amino acid sequence of the OPA1 protein. It affects a nucleotide within the consensus splice site. This variant is present in population databases (no rsID available, gnomAD 0.003%). This variant has not been reported in the literature in individuals affected with OPA1-related conditions. ClinVar contains an entry for this variant (Variation ID: 3617369). Variants that disrupt the consensus splice site are a relatively common cause of aberrant splicing (PMID: 17576681, 9536098). Algorithms developed to predict the effect of sequence changes on RNA splicing suggest that this variant is not likely to affect RNA splicing. In summary, the available evidence is currently insufficient to determine the role of this variant in disease. Therefore, it has been classified as a Variant of Uncertain Significance.

Blueprint Genetics
Classification: Likely benign. Last evaluated: 2024-03-16. Review status: criteria provided, single submitter. Criteria: ACMG Guidelines, 2015. Collection method: clinical testing. Allele origin: germline.

Literature cited by the submitters: PubMed 17576681 (cited by Labcorp Genetics (formerly Invitae), Labcorp); PubMed 9536098 (cited by Labcorp Genetics (formerly Invitae), Labcorp).